The following is an entry in ClinVar:

NM_001127178.3(PIGG):c.864T>A (p.Pro288=)

Gene: PIGG (phosphatidylinositol glycan anchor biosynthesis class G (EMM blood group); plus strand). Cytogenetic location: 4p16.3.
Variant type: single nucleotide variant.
Coding change: c.864T>A on transcript NM_001127178.3 (MANE Select); coding-DNA position 864, T replaced by A.
Protein change: p.Pro288=; no amino-acid change (proline 288 retained).
Molecular consequence: synonymous variant. On other transcripts: 5 prime UTR variant (3), non-coding transcript variant (10), intron variant (1).
Genome position (GRCh38, 1-based): chr4:508,933, T>A. VCF-style: chr4-508933-T-A. GRCh37 (hg19) VCF-style: chr4-502722-T-A.
Other names: c.597T>A, p.Pro199= (NM_001289051.2, NM_001289053.2, NM_001289057.2 and 2 more transcripts); c.465T>A, p.Pro155= (NM_001289052.2); c.498T>A, p.Pro166= (NM_001289055.2); c.864T>A, p.Pro288= (NM_001345989.2, NM_017733.5); c.-762T>A (NM_001345990.2); c.-624T>A (NM_001345991.2); c.-349T>A (NM_001345994.2); c.-129+1340T>A (NM_001345988.2).
Identifiers: ClinVar variation 766941 (VCV000766941.35), dbSNP rs145528951, ClinGen allele CA2793123.

ClinVar aggregate classification (germline): Likely benign. Review status: criteria provided, multiple submitters, no conflicts (2 of 4 stars). 5 submissions from 5 submitters: Likely benign (5). Last evaluated 2025-12-21.

Conditions:
PIGG-related disorder. Also called: PIGG-related condition.
Intellectual disability, autosomal recessive 53 (NEDHSCA). Also called: GLYCOSYLPHOSPHATIDYLINOSITOL BIOSYNTHESIS DEFECT 13; Mental retardation, autosomal recessive 53; NEURODEVELOPMENTAL DISORDER WITH OR WITHOUT HYPOTONIA, SEIZURES, AND CEREBELLAR ATROPHY. Identifiers: Orphanet 488635, MedGen C4310794, MONDO:0014832, OMIM 616917.

Allele frequency attached by ClinVar (database versions not stated): gnomAD exomes 0.00006 and 0.00014; ExAC 0.00016; 1000 Genomes Project 0.00020; 1000 Genomes Project 30x 0.00031; gnomAD 0.00041; TOPMed 0.00060; ESP Exome Variant Server 0.00069.
gnomAD v4.1: 170 of 1,613,890 alleles (0.011%); highest among the groups gnomAD compares: African/African-American, 0.18%; no homozygotes.

Submissions (5):

Labcorp Genetics (formerly Invitae), Labcorp
Classification: Likely benign for Intellectual disability, autosomal recessive 53. Last evaluated: 2025-12-21. Review status: criteria provided, single submitter. Criteria: Invitae Variant Classification Sherloc (09022015). Collection method: clinical testing. Allele origin: germline.

PreventionGenetics, part of Exact Sciences
Classification: Likely benign for PIGG-related condition. Last evaluated: 2024-12-10. Review status: criteria provided, single submitter. Criteria: ACMG Guidelines, 2015. Collection method: clinical testing. Allele origin: germline.
Comment: This variant is classified as likely benign based on ACMG/AMP sequence variant interpretation guidelines (Richards et al. 2015 PMID: 25741868, with internal and published modifications).

Blueprint Genetics
Classification: Likely benign. Last evaluated: 2024-10-02. Review status: criteria provided, single submitter. Criteria: ACMG Guidelines, 2015. Collection method: clinical testing. Allele origin: germline.

CeGaT Center for Human Genetics Tuebingen
Classification: Likely benign. Last evaluated: 2024-03-01. Review status: criteria provided, single submitter. Criteria: CeGaT Center For Human Genetics Tuebingen Variant Classification Criteria Version 2. Collection method: clinical testing. Allele origin: germline. Affected: yes. Observed: 1 variant allele.
Comment: PIGG: BP4, BP7

GeneDx
Classification: Likely benign. Last evaluated: 2021-06-07. Review status: criteria provided, single submitter. Criteria: GeneDx Variant Classification Process June 2021. Collection method: clinical testing. Allele origin: germline. Affected: yes.